The following is an entry in ClinVar:

ClinVar aggregate classification (germline): Uncertain significance (1 of 4 stars; one submission).

Conditions:
Glanzmann thrombasthenia. Also called: BLEEDING DISORDER, PLATELET-TYPE, 2; THROMBASTHENIA OF GLANZMANN AND NAEGELI; PLATELET GLYCOPROTEIN IIb-IIIa DEFICIENCY; Thrombasthenia; Glanzmann's thrombasthenia. Identifiers: Orphanet 849, MedGen C0040015, MONDO:0100326.

Allele frequency attached by ClinVar (database versions not stated): ExAC 0.00003; gnomAD 0.00003; TOPMed 0.00005.
gnomAD v4.1: 37 of 1,613,852 alleles (0.0023%); highest among the groups gnomAD compares: African/African-American, 0.0067%; no homozygotes.

Submission:

Labcorp Genetics (formerly Invitae), Labcorp
Classification: Uncertain significance for Glanzmann thrombasthenia. Last evaluated: 2023-07-24. Review status: criteria provided, single submitter. Criteria: Invitae Variant Classification Sherloc (09022015). Collection method: clinical testing. Allele origin: germline.
Comment: This variant is present in population databases (rs779375400, gnomAD 0.007%). This variant has not been reported in the literature in individuals affected with ITGA2B-related conditions. Advanced modeling of protein sequence and biophysical properties (such as structural, functional, and spatial information, amino acid conservation, physicochemical variation, residue mobility, and thermodynamic stability) performed at Invitae indicates that this missense variant is not expected to disrupt ITGA2B protein function. In summary, the available evidence is currently insufficient to determine the role of this variant in disease. Therefore, it has been classified as a Variant of Uncertain Significance. This sequence change replaces arginine, which is basic and polar, with glutamine, which is neutral and polar, at codon 550 of the ITGA2B protein (p.Arg550Gln).

NM_000419.5(ITGA2B):c.1649G>A (p.Arg550Gln)

Gene: ITGA2B (integrin subunit alpha 2b; minus strand). Cytogenetic location: 17q21.31.
Variant type: single nucleotide variant.
Coding change: c.1649G>A on transcript NM_000419.5 (MANE Select); coding-DNA position 1649, G replaced by A.
Protein change: p.Arg550Gln; replaces arginine 550 with glutamine.
Molecular consequence: missense variant.
Genome position (GRCh38, 1-based): chr17:44,380,105, C>T on the plus strand (G>A on the coding strand, the complement: ITGA2B is on the minus strand). VCF-style: chr17-44380105-C-T. GRCh37 (hg19) VCF-style: chr17-42457473-C-T.
Other names: short protein forms R550Q.
Identifiers: ClinVar variation 2714666 (VCV002714666.3), dbSNP rs779375400, ClinGen allele CA8602987.